The following is an entry in ClinVar:

ClinVar aggregate classification (germline): Pathogenic (1 of 4 stars; one submission).

Conditions:
Inborn genetic diseases. Identifiers: MedGen C0950123, MeSH D030342.

Submission:

Ambry Genetics
Classification: Pathogenic for Inborn genetic diseases. Last evaluated: 2026-03-19. Review status: criteria provided, single submitter. Criteria: Ambry Variant Classification Scheme 2023. Collection method: clinical testing. Allele origin: germline.
Comment: The c.635C>A (p.S212*) alteration, located in exon 5 (coding exon 4) of the GLI3 gene, consists of a C to A substitution at nucleotide position 635. This changes the amino acid from a serine (S) to a stop codon at amino acid position 212. This variant is expected to result in loss of function by premature protein truncation or nonsense-mediated mRNA decay. for Grieg cephalopolysyndactyly syndrome; however, its clinical significance for Pallister-Hall syndrome is uncertain This variant was not reported in population-based cohorts in the Genome Aggregation Database (gnomAD). Based on the available evidence, this alteration is classified as pathogenic.

NM_000168.6(GLI3):c.635C>A (p.Ser212Ter)

Gene: GLI3 (GLI family zinc finger 3; minus strand). Cytogenetic location: 7p14.1.
Variant type: single nucleotide variant.
Coding change: c.635C>A on transcript NM_000168.6 (MANE Select); coding-DNA position 635, C replaced by A.
Protein change: p.Ser212Ter; replaces serine 212 with a stop codon.
Molecular consequence: nonsense.
Genome position (GRCh38, 1-based): chr7:42,048,535, G>T on the plus strand (C>A on the coding strand, the complement: GLI3 is on the minus strand). VCF-style: chr7-42048535-G-T. GRCh37 (hg19) VCF-style: chr7-42088134-G-T.
Other names: short protein forms S212*.
Identifiers: ClinVar variation 4858104 (VCV004858104.1).